The following is an entry in ClinVar:

NM_001375524.1(TRRAP):c.6058G>A (p.Val2020Ile)

Gene: TRRAP (transformation/transcription domain associated protein; plus strand). Cytogenetic location: 7q22.1.
Variant type: single nucleotide variant.
Coding change: c.6058G>A on transcript NM_001375524.1 (MANE Select); coding-DNA position 6058, G replaced by A.
Protein change: p.Val2020Ile; replaces valine 2020 with isoleucine.
Molecular consequence: missense variant.
Genome position (GRCh38, 1-based): chr7:98,956,266, G>A. VCF-style: chr7-98956266-G-A. GRCh37 (hg19) VCF-style: chr7-98553889-G-A.
Other names: c.6037G>A, p.Val2013Ile (NM_001244580.2); c.5983G>A, p.Val1995Ile (NM_003496.4); short protein forms V1995I, V2013I, V2020I.
Identifiers: ClinVar variation 2636797 (VCV002636797.4), dbSNP rs782011766, ClinGen allele CA4360730.
Genomic context (GRCh38, chr7:98,956,266, plus strand): 5'-GGCTTCACGCCCAGTGTCACCATCGAGCAGAGGCGGCTGGCCGTGGACCTGTCTGAAGTC[G>A]TCATCAAGTGGGAGCTGCAGAGGATCAAGGACCAGCAGGTAGGGGTGTCAGCCTCAGGGG-3'
Protein context (NP_001362453.1, residues 2010-2030): RRLAVDLSEV[Val2020Ile]IKWELQRIKD

ClinVar aggregate classification (germline): Uncertain significance. Review status: criteria provided, multiple submitters, no conflicts (2 of 4 stars). 2 submissions from 2 submitters: Uncertain significance (2). Last evaluated 2025-02-10.

Conditions:
TRRAP-related disorder. Also called: TRRAP-related condition.

Allele frequency attached by ClinVar (database versions not stated): ExAC 0.00002; gnomAD 0.00001.
gnomAD v4.1: 18 of 1,614,096 alleles (0.0011%); highest among the groups gnomAD compares: South Asian, 0.011%; no homozygotes.

Submissions (2):

Labcorp Genetics (formerly Invitae), Labcorp
Classification: Uncertain significance. Last evaluated: 2025-02-10. Review status: criteria provided, single submitter. Criteria: Invitae Variant Classification Sherloc (09022015). Collection method: clinical testing. Allele origin: germline.
Comment: This sequence change replaces valine, which is neutral and non-polar, with isoleucine, which is neutral and non-polar, at codon 1995 of the TRRAP protein (p.Val1995Ile). This variant is present in population databases (rs782011766, gnomAD 0.02%). This variant has not been reported in the literature in individuals affected with TRRAP-related conditions. ClinVar contains an entry for this variant (Variation ID: 2636797). Invitae Evidence Modeling of protein sequence and biophysical properties (such as structural, functional, and spatial information, amino acid conservation, physicochemical variation, residue mobility, and thermodynamic stability) indicates that this missense variant is not expected to disrupt TRRAP protein function with a negative predictive value of 80%. In summary, the available evidence is currently insufficient to determine the role of this variant in disease. Therefore, it has been classified as a Variant of Uncertain Significance.

PreventionGenetics, part of Exact Sciences
Classification: Uncertain significance for TRRAP-related condition. Last evaluated: 2022-09-27. Review status: criteria provided, single submitter. Criteria: ACMG Guidelines, 2015. Collection method: clinical testing. Allele origin: germline.
Comment: The TRRAP c.5983G>A variant is predicted to result in the amino acid substitution p.Val1995Ile. To our knowledge, this variant has not been reported in the literature. This variant is reported in 0.016% of alleles in individuals of South Asian descent in gnomAD. At this time, the clinical significance of this variant is uncertain due to the absence of conclusive functional and genetic evidence.